The following is an entry in ClinVar:

NM_001715.3(BLK):c.530A>G (p.Tyr177Cys)

Genes: BLK-AS1 (BLK antisense RNA 1), BLK (BLK proto-oncogene, Src family tyrosine kinase). Cytogenetic location: 8p23.1.
Variant type: single nucleotide variant.
Coding change: c.530A>G on transcript NM_001715.3 (MANE Select); coding-DNA position 530, A replaced by G.
Protein change: p.Tyr177Cys; replaces tyrosine 177 with cysteine.
Molecular consequence: missense variant.
Genome position (GRCh38, 1-based): chr8:11,554,800, A>G. VCF-style: chr8-11554800-A-G. GRCh37 (hg19) VCF-style: chr8-11412309-A-G.
Other names: c.317A>G, p.Tyr106Cys (NM_001330465.2); short protein forms Y106C, Y177C.
Identifiers: ClinVar variation 3383126 (VCV003383126.2).

ClinVar aggregate classification (germline): Uncertain significance (1 of 4 stars; one submission).

Conditions:
Maturity-onset diabetes of the young type 11. Identifiers: Orphanet 552, MedGen C3150618, MONDO:0013242, OMIM 613375.

gnomAD v4.1: 9 of 1,613,980 alleles (0.00056%); highest among the groups gnomAD compares: African/African-American, 0.0013%; no homozygotes.

Submission:

Juno Genomics, Hangzhou Juno Genomics, Inc
Classification: Uncertain significance for Maturity-onset diabetes of the young type 11. Review status: criteria provided, single submitter. Criteria: ACMG Guidelines, 2015. Collection method: clinical testing. Allele origin: germline. Affected: yes.
Comment: Absent from controls (or at extremely low frequency if recessive) in Genome Aggregation Database, Exome Sequencing Project, 1000 Genomes Project, or Exome Aggregation Consortium.;Multiple lines of computational evidence support a deleterious effect on the gene or gene product (conservation, evolutionary, splicing impact, etc).;Patient's phenotype or family history is highly specific for a disease with a single genetic etiology.